The following is an entry in ClinVar:

ClinVar aggregate classification (germline): Uncertain significance (1 of 4 stars; one submission).

Submission:

GeneDx
Classification: Uncertain significance. Last evaluated: 2024-03-28. Review status: criteria provided, single submitter. Criteria: GeneDx Variant Classification Process June 2021. Collection method: clinical testing. Allele origin: germline. Affected: yes.
Comment: Not observed at significant frequency in large population cohorts (gnomAD); In silico analysis supports that this missense variant has a deleterious effect on protein structure/function; Has not been previously published as pathogenic or benign to our knowledge

NM_001145358.2(SIN3A):c.944A>G (p.Lys315Arg)

Gene: SIN3A (SIN3 transcription regulator family member A; minus strand). Cytogenetic location: 15q24.2.
Variant type: single nucleotide variant.
Coding change: c.944A>G on transcript NM_001145358.2 (MANE Select); coding-DNA position 944, A replaced by G.
Protein change: p.Lys315Arg; replaces lysine 315 with arginine.
Molecular consequence: missense variant.
Genome position (GRCh38, 1-based): chr15:75,411,556, T>C on the plus strand (A>G on the coding strand, the complement: SIN3A is on the minus strand). VCF-style: chr15-75411556-T-C. GRCh37 (hg19) VCF-style: chr15-75703897-T-C.
Other names: c.944A>G, p.Lys315Arg (NM_001145357.2, NM_015477.3); short protein forms K315R.
Identifiers: ClinVar variation 3371787 (VCV003371787.1).